The following is an entry in ClinVar:

NM_016333.4(SRRM2):c.8019G>C (p.Arg2673=)

Gene: SRRM2 (serine/arginine repetitive matrix 2; plus strand). Cytogenetic location: 16p13.3.
Variant type: single nucleotide variant.
Coding change: c.8019G>C on transcript NM_016333.4 (MANE Select); coding-DNA position 8019, G replaced by C.
Protein change: p.Arg2673=; no amino-acid change (arginine 2673 retained).
Molecular consequence: synonymous variant.
Genome position (GRCh38, 1-based): chr16:2,769,282, G>C. VCF-style: chr16-2769282-G-C. GRCh37 (hg19) VCF-style: chr16-2819283-G-C.
Identifiers: ClinVar variation 3905272 (VCV003905272.10).

ClinVar aggregate classification (germline): Likely benign (1 of 4 stars; one submission).

gnomAD v4.1: 328 of 1,558,204 alleles (0.021%); highest among the groups gnomAD compares: South Asian, 0.33%; no homozygotes.

Submission:

CeGaT Center for Human Genetics Tuebingen
Classification: Likely benign. Last evaluated: 2025-06-01. Review status: criteria provided, single submitter. Criteria: CeGaT Center For Human Genetics Tuebingen Variant Classification Criteria Version 2. Collection method: clinical testing. Allele origin: germline. Affected: yes. Observed: 1 variant allele.
Comment: SRRM2: BP4, BP7